The following is an entry in ClinVar:

ClinVar aggregate classification (germline): Uncertain significance (1 of 4 stars; one submission).

Conditions:
Emery-Dreifuss muscular dystrophy 4, autosomal dominant (EDMD4). Also called: EMERY-DREIFUSS MUSCULAR DYSTROPHY 4 WITH VARIABLE FEATURES. Identifiers: Orphanet 261, MedGen C2751807, MONDO:0013071, OMIM 612998.
Autosomal recessive ataxia, Beauce type. Also called: Spinocerebellar ataxia, autosomal recessive 8; ATAXIA, RECESSIVE, OF BEAUCE; SYNE1-Related Autosomal Recessive Cerebellar Ataxia; SYNE1 Deficiency. Identifiers: Orphanet 88644, MedGen C1853116, MONDO:0012549, OMIM 610743.

Submission:

Labcorp Genetics (formerly Invitae), Labcorp
Classification: Uncertain significance for Emery-Dreifuss muscular dystrophy 4, autosomal dominant; Autosomal recessive ataxia, Beauce type. Last evaluated: 2023-07-18. Review status: criteria provided, single submitter. Criteria: Invitae Variant Classification Sherloc (09022015). Collection method: clinical testing. Allele origin: germline.
Comment: This sequence change replaces threonine, which is neutral and polar, with proline, which is neutral and non-polar, at codon 8462 of the SYNE1 protein (p.Thr8462Pro). This variant is not present in population databases (gnomAD no frequency). This variant has not been reported in the literature in individuals affected with SYNE1-related conditions. An algorithm developed to predict the effect of missense changes on protein structure and function (PolyPhen-2) suggests that this variant is likely to be disruptive. In summary, the available evidence is currently insufficient to determine the role of this variant in disease. Therefore, it has been classified as a Variant of Uncertain Significance.

NM_182961.4(SYNE1):c.25528A>C (p.Thr8510Pro)

Gene: SYNE1 (spectrin repeat containing nuclear envelope protein 1; minus strand). Cytogenetic location: 6q25.2.
Variant type: single nucleotide variant.
Coding change: c.25528A>C on transcript NM_182961.4 (MANE Select); coding-DNA position 25528, A replaced by C.
Protein change: p.Thr8510Pro; replaces threonine 8510 with proline.
Molecular consequence: missense variant.
Genome position (GRCh38, 1-based): chr6:152,136,749, T>G on the plus strand (A>C on the coding strand, the complement: SYNE1 is on the minus strand). VCF-style: chr6-152136749-T-G. GRCh37 (hg19) VCF-style: chr6-152457884-T-G.
Other names: c.2134A>C, p.Thr712Pro (NM_001347701.2); c.2062A>C, p.Thr688Pro (NM_001347702.2); c.25384A>C, p.Thr8462Pro (NM_033071.5); short protein forms T688P, T712P, T8462P, T8510P.
Identifiers: ClinVar variation 2941106 (VCV002941106.3), dbSNP rs2549556325, ClinGen allele CA366079054.